The following is an entry in ClinVar:

ClinVar aggregate classification (germline): Uncertain significance (1 of 4 stars; one submission).

Conditions:
Nephrolithiasis/nephrocalcinosis. Identifiers: MedGen CN580796.

Submission:

Ambry Genetics
Classification: Uncertain significance for Nephrolithiasis/nephrocalcinosis. Last evaluated: 2024-08-20. Review status: criteria provided, single submitter. Criteria: Ambry Variant Classification Scheme 2023. Collection method: clinical testing. Allele origin: germline.
Comment: The p.G1038A variant (also known as c.3113G>C), located in coding exon 6 of the CASR gene, results from a G to C substitution at nucleotide position 3113. The glycine at codon 1038 is replaced by alanine, an amino acid with similar properties. This amino acid position is not well conserved in available vertebrate species. In addition, this alteration is predicted to be tolerated by in silico analysis. In addition, the evidence for the gene-disease relationship is limited for pancreatitis and cancer predisposition; therefore, the clinical significance of this variant for CASR-related pancreatitis and cancer predisposition is unclear. Based on the available evidence, the clinical significance of this variant remains unclear.

NM_000388.4(CASR):c.3113G>C (p.Gly1038Ala)

Gene: CASR (calcium sensing receptor; plus strand). Cytogenetic location: 3q21.1.
Variant type: single nucleotide variant.
Coding change: c.3113G>C on transcript NM_000388.4 (MANE Select); coding-DNA position 3113, G replaced by C.
Protein change: p.Gly1038Ala; replaces glycine 1038 with alanine.
Molecular consequence: missense variant.
Genome position (GRCh38, 1-based): chr3:122,285,067, G>C. VCF-style: chr3-122285067-G-C. GRCh37 (hg19) VCF-style: chr3-122003914-G-C.
Other names: c.3143G>C, p.Gly1048Ala (NM_001178065.2); short protein forms G1038A, G1048A.
Identifiers: ClinVar variation 3485316 (VCV003485316.1).
Genomic context (GRCh38, chr3:122,285,067, plus strand): 5'-GCGGGGAAACGGACTTAGATCTGACCGTCCAGGAAACAGGTCTGCAAGGACCTGTGGGTG[G>C]AGACCAGCGGCCAGAGGTGGAGGACCCTGAAGAGTTGTCCCCAGCACTTGTAGTGTCCAG-3'
Protein context (NP_000379.3, residues 1028-1048): QETGLQGPVG[Gly1038Ala]DQRPEVEDPE